The following is an entry in ClinVar:

NM_001142800.2(EYS):c.8150del (p.Lys2717fs)

Gene: EYS (EGF-like photoreceptor maintenance factor; minus strand). Cytogenetic location: 6q12.
Variant type: Deletion.
Coding change: c.8150del on transcript NM_001142800.2 (MANE Select); coding-DNA position 8150, one base deleted (A; older notation c.8150delA).
Protein change: p.Lys2717fs; shifts the reading frame from lysine 2717.
Molecular consequence: frameshift variant.
Genome position (GRCh38, 1-based): chr6:63,726,602, T deleted on the plus strand (A on the coding strand, the reverse complement: EYS is on the minus strand); the first of 6 consecutive T bases (chr6:63,726,602-63,726,607); deleting any one gives the same sequence. VCF-style (leftmost placement, unchanged base first): chr6-63726601-CT-C. GRCh37 (hg19) VCF-style: chr6-64436494-CT-C.
Other names: c.8213del, p.Lys2738fs (NM_001292009.2); short protein forms K2717fs, K2738fs.
Identifiers: ClinVar variation 1076062 (VCV001076062.16), dbSNP rs1251637752, ClinGen allele CA826974840.
Genomic context (GRCh38, chr6:63,726,601, plus strand): 5'-TGCAGCATAAAATAGGATACCATCTGCAGCGAGAGGCTGAAACTGCAATTGAATATGTGT[CT>C]TTTTTCGAACATGAAAGGAAGCAAAAGACATCCAGGATAACTCATTGCTTCTGAAAGATG-3'

ClinVar aggregate classification (germline): Pathogenic. Review status: criteria provided, multiple submitters, no conflicts (2 of 4 stars). 4 submissions from 4 submitters: Pathogenic (3). 1 of the submissions does not count toward it. Last evaluated 2026-01-12.

Conditions:
Retinitis pigmentosa 25 (RP25). Identifiers: Orphanet 791, MedGen C1864446, MONDO:0011272, OMIM 602772.

Submissions (4):

Myriad Genetics, Inc.
Classification: Pathogenic for Retinitis pigmentosa 25. Last evaluated: 2026-01-12. Review status: criteria provided, single submitter. Criteria: Myriad Autosomal Dominant, Autosomal Recessive and X-Linked Classification Criteria (2023). Collection method: clinical testing. Allele origin: unknown.
Comment: NM_001142800.1(EYS):c.8150delA(K2717Rfs*24) is a frameshift variant classified as pathogenic in the context of retinitis pigmentosa, EYS-related. K2717Rfs*24 has been observed in a case with relevant disease (PMID: 25356976). Relevant functional assessments of this variant are not available in the literature. K2717Rfs*24 has not been observed in referenced population frequency databases. In summary, NM_001142800.1(EYS):c.8150delA(K2717Rfs*24) is a frameshift variant in a gene where loss of function is a known mechanism of disease, is predicted to disrupt protein function, and has been observed more frequently in cases with the relevant disease than in healthy populations. Please note: this variant was assessed in the context of healthy population screening.

Labcorp Genetics (formerly Invitae), Labcorp
Classification: Pathogenic. Last evaluated: 2022-09-03. Review status: criteria provided, single submitter. Criteria: Invitae Variant Classification Sherloc (09022015). Collection method: clinical testing. Allele origin: germline.
Comment: This variant is not present in population databases (gnomAD no frequency). This premature translational stop signal has been observed in individual(s) with retinitis pigmentosa (PMID: 25356976). ClinVar contains an entry for this variant (Variation ID: 1076062). This variant disrupts a region of the EYS protein in which other variant(s) (p.Val3096Leufs*28) have been determined to be pathogenic (PMID: 24474277, 26261414, 29550188). This suggests that this is a clinically significant region of the protein, and that variants that disrupt it are likely to be disease-causing. For these reasons, this variant has been classified as Pathogenic. This sequence change creates a premature translational stop signal (p.Lys2717Argfs*24) in the EYS gene. While this is not anticipated to result in nonsense mediated decay, it is expected to disrupt the last 428 amino acid(s) of the EYS protein.

Genome-Nilou Lab
Classification: Pathogenic for Retinitis pigmentosa 25. Last evaluated: 2021-07-22. Review status: criteria provided, single submitter. Criteria: ACMG Guidelines, 2015. Collection method: clinical testing. Allele origin: germline. Affected: no.

Natera, Inc.
Classification: Pathogenic for Retinitis pigmentosa type 25. Last evaluated: 2020-09-23. Review status: no assertion criteria provided. Collection method: clinical testing. Allele origin: germline. Not counted in ClinVar's aggregate classification.

Literature cited by the submitters: PubMed 25356976 (cited by Myriad Genetics, Inc. and Labcorp Genetics (formerly Invitae), Labcorp); PubMed 24474277 (cited by Labcorp Genetics (formerly Invitae), Labcorp); PubMed 26261414 (cited by Labcorp Genetics (formerly Invitae), Labcorp); PubMed 29550188 (cited by Labcorp Genetics (formerly Invitae), Labcorp).